The following is an entry in ClinVar:

NM_004667.6(HERC2):c.5683A>G (p.Ile1895Val)

Gene: HERC2 (HECT and RLD domain containing E3 ubiquitin protein ligase 2; minus strand). Cytogenetic location: 15q13.1.
Variant type: single nucleotide variant.
Coding change: c.5683A>G on transcript NM_004667.6 (MANE Select); coding-DNA position 5683, A replaced by G.
Protein change: p.Ile1895Val; replaces isoleucine 1895 with valine.
Molecular consequence: missense variant.
Genome position (GRCh38, 1-based): chr15:28,220,614, T>C on the plus strand (A>G on the coding strand, the complement: HERC2 is on the minus strand). VCF-style: chr15-28220614-T-C. GRCh37 (hg19) VCF-style: chr15-28465760-T-C.
Other names: short protein forms I1895V.
Identifiers: ClinVar variation 2228397 (VCV002228397.2), dbSNP rs2549170019, ClinGen allele CA391374552.

ClinVar aggregate classification (germline): Uncertain significance (1 of 4 stars; one submission).

Conditions:
Inborn genetic diseases. Identifiers: MedGen C0950123, MeSH D030342.

Submission:

Ambry Genetics
Classification: Uncertain significance for Inborn genetic diseases. Last evaluated: 2020-12-29. Review status: criteria provided, single submitter. Criteria: Ambry Variant Classification Scheme 2023. Collection method: clinical testing. Allele origin: germline.
Comment: The c.5683A>G (p.I1895V) alteration is located in exon 37 (coding exon 36) of the HERC2 gene. This alteration results from a A to G substitution at nucleotide position 5683, causing the isoleucine (I) at amino acid position 1895 to be replaced by a valine (V). The p.I1895V alteration is predicted to be tolerated by in silico analysis. Based on insufficient or conflicting evidence, the clinical significance of this alteration remains unclear.